The following is an entry in ClinVar:

NM_022124.6(CDH23):c.8069del (p.Ile2690fs)

Gene: CDH23 (cadherin related 23; plus strand). Cytogenetic location: 10q22.1.
Variant type: Deletion.
Coding change: c.8069del on transcript NM_022124.6 (MANE Select); coding-DNA position 8069, one base deleted (T; older notation c.8069delT).
Protein change: p.Ile2690fs; shifts the reading frame from isoleucine 2690.
Molecular consequence: frameshift variant.
Genome position (GRCh38, 1-based): chr10:71,806,172, T deleted. VCF-style (leftmost placement, unchanged base first): chr10-71806171-AT-A. GRCh37 (hg19) VCF-style: chr10-73565928-AT-A.
Other names: c.1349del, p.Ile450fs (NM_001171933.1, NM_001171934.1); short protein forms I2690fs, I450fs.
Identifiers: ClinVar variation 3021540 (VCV003021540.3), dbSNP rs2494428989, ClinGen allele CA2740093025.

ClinVar aggregate classification (germline): Pathogenic (1 of 4 stars; one submission).

Submission:

Labcorp Genetics (formerly Invitae), Labcorp
Classification: Pathogenic. Last evaluated: 2023-06-16. Review status: criteria provided, single submitter. Criteria: Invitae Variant Classification Sherloc (09022015). Collection method: clinical testing. Allele origin: germline.
Comment: This sequence change creates a premature translational stop signal (p.Ile2690Thrfs*34) in the CDH23 gene. It is expected to result in an absent or disrupted protein product. Loss-of-function variants in CDH23 are known to be pathogenic (PMID: 11138009, 21940737). This variant is not present in population databases (gnomAD no frequency). This variant has not been reported in the literature in individuals affected with CDH23-related conditions. For these reasons, this variant has been classified as Pathogenic.

Literature cited by the submitters: PubMed 11138009; PubMed 21940737.